The following is an entry in ClinVar:

ClinVar aggregate classification (germline): Uncertain significance. Review status: criteria provided, multiple submitters, no conflicts (2 of 4 stars). 2 submissions from 2 submitters: Uncertain significance (2). Last evaluated 2023-12-17.

Conditions:
Cardiovascular phenotype. Identifiers: MedGen CN230736.

Allele frequency attached by ClinVar (database versions not stated): gnomAD exomes below 0.00001; ExAC 0.00001.
gnomAD v4.1: 1 of 1,608,598 alleles (0.000062%); highest among the groups gnomAD compares: African/African-American, 0.0013%; no homozygotes.

Submissions (2):

Labcorp Genetics (formerly Invitae), Labcorp
Classification: Uncertain significance. Last evaluated: 2023-12-17. Review status: criteria provided, single submitter. Criteria: Invitae Variant Classification Sherloc (09022015). Collection method: clinical testing. Allele origin: germline.
Comment: This sequence change replaces glutamic acid, which is acidic and polar, with valine, which is neutral and non-polar, at codon 1342 of the ALPK3 protein (p.Glu1342Val). This variant is present in population databases (rs758605573, gnomAD 0.007%). This variant has not been reported in the literature in individuals affected with ALPK3-related conditions. ClinVar contains an entry for this variant (Variation ID: 1737137). An algorithm developed to predict the effect of missense changes on protein structure and function (PolyPhen-2) suggests that this variant is likely to be tolerated. In summary, the available evidence is currently insufficient to determine the role of this variant in disease. Therefore, it has been classified as a Variant of Uncertain Significance.

Ambry Genetics
Classification: Uncertain significance for Cardiovascular phenotype. Last evaluated: 2020-01-24. Review status: criteria provided, single submitter. Criteria: Ambry Variant Classification Scheme 2023. Collection method: clinical testing. Allele origin: germline.
Comment: The p.E1342V variant (also known as c.4025A>T), located in coding exon 6 of the ALPK3 gene, results from an A to T substitution at nucleotide position 4025. The glutamic acid at codon 1342 is replaced by valine, an amino acid with dissimilar properties. This amino acid position is not well conserved in available vertebrate species. In addition, this alteration is predicted to be tolerated by in silico analysis. Since supporting evidence is limited at this time, the clinical significance of this alteration remains unclear.

NM_020778.5(ALPK3):c.3419A>T (p.Glu1140Val)

Gene: ALPK3 (alpha kinase 3; plus strand). Cytogenetic location: 15q25.3.
Variant type: single nucleotide variant.
Coding change: c.3419A>T on transcript NM_020778.5 (MANE Select); coding-DNA position 3419, A replaced by T.
Protein change: p.Glu1140Val; replaces glutamic acid 1140 with valine.
Molecular consequence: missense variant.
Genome position (GRCh38, 1-based): chr15:84,858,157, A>T. VCF-style: chr15-84858157-A-T. GRCh37 (hg19) VCF-style: chr15-85401388-A-T.
Other names: short protein forms E1140V.
Identifiers: ClinVar variation 1737137 (VCV001737137.5), dbSNP rs758605573, ClinGen allele CA7709627.